The following is an entry in ClinVar:

ClinVar aggregate classification (germline): Uncertain significance. Review status: criteria provided, multiple submitters, no conflicts (2 of 4 stars). 6 submissions from 4 submitters: Uncertain significance (6). Last evaluated 2023-02-09.

Conditions:
Inborn genetic diseases. Identifiers: MedGen C0950123, MeSH D030342.
Amyotrophic lateral sclerosis type 5 (ALS5). Also called: AMYOTROPHIC LATERAL SCLEROSIS 5, JUVENILE. Identifiers: Orphanet 300605, MedGen C1865864, MONDO:0011196, OMIM 602099.
Hereditary spastic paraplegia 11. Also called: Spastic paraplegia, mental retardation and thin corpus callosum; SPASTIC PARAPLEGIA, AUTOSOMAL RECESSIVE, COMPLICATED, WITH THIN CORPUS CALLOSUM; SPASTIC PARAPLEGIA, AUTOSOMAL RECESSIVE, WITH MENTAL IMPAIRMENT AND THIN CORPUS CALLOSUM; Spastic Paraplegia 11; Nakamura Osame syndrome; Autosomal recessive hereditary spastic paraplegia, mental impairment, and thin corpus callosum. Identifiers: Orphanet 2822, MedGen C1858479, MONDO:0011445, OMIM 604360.
Charcot-Marie-Tooth disease axonal type 2X. Also called: CHARCOT-MARIE-TOOTH DISEASE, AXONAL, AUTOSOMAL RECESSIVE, TYPE 2X; CHARCOT-MARIE-TOOTH NEUROPATHY, TYPE 2X. Identifiers: Orphanet 466775, MedGen C5569024, MONDO:0014726, OMIM 616668.

Allele frequency attached by ClinVar (database versions not stated): gnomAD 0.00002; gnomAD exomes 0.00002 and 0.00004; ExAC 0.00004; TOPMed 0.00003.
gnomAD v4.1: 31 of 1,614,052 alleles (0.0019%); highest among the groups gnomAD compares: African/African-American, 0.004%; no homozygotes.

Submissions (6):

Ambry Genetics
Classification: Uncertain significance for Inborn genetic diseases. Last evaluated: 2023-02-09. Review status: criteria provided, single submitter. Criteria: Ambry Variant Classification Scheme 2023. Collection method: clinical testing. Allele origin: germline.

Labcorp Genetics (formerly Invitae), Labcorp
Classification: Uncertain significance for Hereditary spastic paraplegia 11. Last evaluated: 2021-08-31. Review status: criteria provided, single submitter. Criteria: Invitae Variant Classification Sherloc (09022015). Collection method: clinical testing. Allele origin: germline.
Comment: This sequence change replaces arginine with glutamine at codon 1899 of the SPG11 protein (p.Arg1899Gln). The arginine residue is moderately conserved and there is a small physicochemical difference between arginine and glutamine. This variant is present in population databases (rs768303307, ExAC 0.02%). This variant has not been reported in the literature in individuals affected with SPG11-related conditions. ClinVar contains an entry for this variant (Variation ID: 212293). Algorithms developed to predict the effect of missense changes on protein structure and function output the following: SIFT: "Tolerated"; PolyPhen-2: "Benign"; Align-GVGD: "Class C0". The glutamine amino acid residue is found in multiple mammalian species, which suggests that this missense change does not adversely affect protein function. In summary, the available evidence is currently insufficient to determine the role of this variant in disease. Therefore, it has been classified as a Variant of Uncertain Significance.

Genetic Services Laboratory, University of Chicago
Classification: Uncertain significance. Last evaluated: 2015-01-09. Review status: criteria provided, single submitter. Criteria: ACMG Guidelines, 2015. Collection method: clinical testing. Allele origin: germline.

Genome-Nilou Lab
Classification: Uncertain significance for Amyotrophic lateral sclerosis type 5. Review status: criteria provided, single submitter. Criteria: ACMG Guidelines, 2015. Collection method: clinical testing. Allele origin: germline.

Genome-Nilou Lab
Classification: Uncertain significance for Charcot-Marie-Tooth disease axonal type 2X. Review status: criteria provided, single submitter. Criteria: ACMG Guidelines, 2015. Collection method: clinical testing. Allele origin: germline.

Genome-Nilou Lab
Classification: Uncertain significance for Hereditary spastic paraplegia 11. Review status: criteria provided, single submitter. Criteria: ACMG Guidelines, 2015. Collection method: clinical testing. Allele origin: germline.

NM_025137.4(SPG11):c.5696G>A (p.Arg1899Gln)

Gene: SPG11 (SPG11 vesicle trafficking associated, spatacsin; minus strand). Cytogenetic location: 15q21.1.
Variant type: single nucleotide variant.
Coding change: c.5696G>A on transcript NM_025137.4 (MANE Select); coding-DNA position 5696, G replaced by A.
Protein change: p.Arg1899Gln; replaces arginine 1899 with glutamine.
Molecular consequence: missense variant.
Genome position (GRCh38, 1-based): chr15:44,583,984, C>T on the plus strand (G>A on the coding strand, the complement: SPG11 is on the minus strand). VCF-style: chr15-44583984-C-T. GRCh37 (hg19) VCF-style: chr15-44876182-C-T.
Other names: c.5696G>A, p.Arg1899Gln (NM_001160227.2); short protein forms R1899Q.
Identifiers: ClinVar variation 212293 (VCV000212293.15), dbSNP rs768303307, ClinGen allele CA207204.